The following is an entry in ClinVar:

NM_148897.3(SDR9C7):c.112G>A (p.Gly38Arg)

Gene: SDR9C7 (short chain dehydrogenase/reductase family 9C member 7; minus strand). Cytogenetic location: 12q13.3.
Variant type: single nucleotide variant.
Coding change: c.112G>A on transcript NM_148897.3 (MANE Select); coding-DNA position 112, G replaced by A.
Protein change: p.Gly38Arg; replaces glycine 38 with arginine.
Molecular consequence: missense variant.
Genome position (GRCh38, 1-based): chr12:56,934,150, C>T on the plus strand (G>A on the coding strand, the complement: SDR9C7 is on the minus strand). VCF-style: chr12-56934150-C-T. GRCh37 (hg19) VCF-style: chr12-57327934-C-T.
Other names: short protein forms G38R.
Identifiers: ClinVar variation 633814 (VCV000633814.6), dbSNP rs764593071, ClinGen allele CA6638263.

ClinVar aggregate classification (germline): Conflicting classifications of pathogenicity. Review status: criteria provided, conflicting classifications (1 of 4 stars). 7 submissions from 7 submitters: Pathogenic (1); Likely pathogenic (5); Uncertain significance (1). Last evaluated 2025-09-16.

Conditions:
Intellectual disability, autosomal recessive 53 (NEDHSCA). Also called: Mental retardation, autosomal recessive 53; GLYCOSYLPHOSPHATIDYLINOSITOL BIOSYNTHESIS DEFECT 13; NEURODEVELOPMENTAL DISORDER WITH OR WITHOUT HYPOTONIA, SEIZURES, AND CEREBELLAR ATROPHY. Identifiers: Orphanet 488635, MedGen C4310794, MONDO:0014832, OMIM 616917.
Lamellar ichthyosis. Identifiers: Orphanet 313, MedGen C5848247, MONDO:0017778.
Congenital ichthyosis of skin. Identifiers: MedGen C0020758.
Ichthyosis, congenital, autosomal recessive 13. Identifiers: MedGen C4539772, MONDO:0033092, OMIM 617574.

Allele frequency attached by ClinVar (database versions not stated): TOPMed 0.00003; gnomAD 0.00006; gnomAD exomes 0.00006; ExAC 0.00007.

Submissions (7):

First Genomix Gene Laboratory, Genetic Diagnostics Department
Classification: Likely pathogenic for Ichthyosis, congenital, autosomal recessive 13. Last evaluated: 2025-09-16. Review status: criteria provided, single submitter. Criteria: ACMG Guidelines, 2015. Collection method: clinical testing. Allele origin: germline. Inheritance: Autosomal recessive inheritance. Affected: no. Observed: 1 variant allele.

Genomic Medicine Center of Excellence, King Faisal Specialist Hospital and Research Centre
Classification: Likely pathogenic for Intellectual disability, autosomal recessive 53. Last evaluated: 2025-09-10. Review status: criteria provided, single submitter. Criteria: ACMG Guidelines, 2015. Collection method: clinical testing. Allele origin: germline.

Fulgent Genetics
Classification: Likely pathogenic for Ichthyosis, congenital, autosomal recessive 13. Last evaluated: 2024-04-26. Review status: criteria provided, single submitter. Criteria: ACMG Guidelines, 2015. Collection method: clinical testing. Allele origin: germline.

Women's Health and Genetics/Laboratory Corporation of America, LabCorp
Classification: Pathogenic for Lamellar ichthyosis. Last evaluated: 2024-04-25. Review status: criteria provided, single submitter. Criteria: LabCorp Variant Classification Summary - May 2015. Collection method: clinical testing. Allele origin: germline.
Comment: Variant summary: SDR9C7 c.112G>A (p.Gly38Arg) results in a non-conservative amino acid change in the encoded protein sequence. Five of five in-silico tools predict a damaging effect of the variant on protein function. The variant allele was found at a frequency of 5.6e-05 in 251154 control chromosomes. This frequency is not significantly higher than estimated for a pathogenic variant in SDR9C7 causing Lamellar Ichthyosis (5.6e-05 vs 0.00025), allowing no conclusion about variant significance. c.112G>A has been reported in the literature in multiple individuals affected with clinical features of autosomal recessive congenital icthyosis (e.g. Hotz_2018, Youssefian_2019). These data indicate that the variant is very likely to be associated with disease. To our knowledge, no experimental evidence demonstrating an impact on protein function has been reported. The following publications have been ascertained in the context of this evaluation (PMID: 28906551, 30578701). ClinVar contains an entry for this variant (Variation ID: 633814). Based on the evidence outlined above, the variant was classified as pathogenic.

Department of Pathology and Laboratory Medicine, Sinai Health System
Classification: Likely pathogenic for Ichthyosis, congenital, autosomal recessive 13. Last evaluated: 2022-11-21. Review status: criteria provided, single submitter. Criteria: ACMG Guidelines, 2015. Collection method: research. Allele origin: germline.

Uitto Lab, Thomas Jefferson University
Classification: Likely pathogenic for Congenital ichthyosis of skin. Last evaluated: 2018-06-08. Review status: criteria provided, single submitter. Criteria: ACMG Guidelines, 2015. Collection method: clinical testing. Allele origin: germline. Affected: yes. Study: Rare heritable connective tissue and skin disorders in Iranian cohort.

Neuberg Centre For Genomic Medicine, NCGM
Classification: Uncertain significance for Ichthyosis, congenital, autosomal recessive 13. Review status: criteria provided, single submitter. Criteria: ACMG Guidelines, 2015. Collection method: clinical testing. Allele origin: germline. Inheritance: Autosomal recessive inheritance. Affected: yes.
Comment: The c.112G>A (p.Gly38Arg) missense variant in SDR9C7 gene has been submitted to ClinVar as a Likely Pathogenic variant, but no details are available for independent assessment. It has not been reported in affected individuals. This variant is reported with the allele frequency (0.005%) in the gnomad and novel in 1000 genome database. The amino acid Gly at position 38 is changed to a Arg changing protein sequence and it might alter its composition and physicochemical properties. The amino acid change p.Gly38Arg in SDR9C7 is predicted as conserved by GERP++ and PhyloP across 100 vertebrates. For these reasons, this variant has been classified as Variant of Uncertain Significance (VUS).

Literature cited by the submitters: PubMed 30578701 (cited by Women's Health and Genetics/Laboratory Corporation of America, LabCorp); PubMed 28906551 (cited by Women's Health and Genetics/Laboratory Corporation of America, LabCorp).